The following is an entry in ClinVar:

ClinVar aggregate classification (germline): Conflicting classifications of pathogenicity. Review status: criteria provided, conflicting classifications (1 of 4 stars). 2 submissions from 2 submitters: Uncertain significance (1); Likely benign (1). Last evaluated 2026-01-16.

Conditions:
Familial thoracic aortic aneurysm and aortic dissection (TAAD). Also called: Thoracic aortic aneurysms and dissections. Identifiers: Orphanet 91387, MedGen C4707243, MONDO:0019625.
Aortic aneurysm, familial thoracic 7 (AAT7). Also called: AORTIC DISSECTION, FAMILIAL, WITH OR WITHOUT AORTIC ANEURYSM. Identifiers: MedGen C3151077, MONDO:0013418, OMIM 613780.

Allele frequency attached by ClinVar (database versions not stated): gnomAD 0.00001 and 0.00003; gnomAD exomes 0.00001 and 0.00007; TOPMed 0.00004; ExAC 0.00007; 1000 Genomes Project 30x 0.00016; 1000 Genomes Project 0.00020.
gnomAD v4.1: 23 of 1,614,166 alleles (0.0014%); highest among the groups gnomAD compares: East Asian, 0.038%; no homozygotes.

Submissions (2):

Labcorp Genetics (formerly Invitae), Labcorp
Classification: Likely benign for Aortic aneurysm, familial thoracic 7. Last evaluated: 2026-01-16. Review status: criteria provided, single submitter. Criteria: Invitae Variant Classification Sherloc (09022015). Collection method: clinical testing. Allele origin: germline.

Ambry Genetics
Classification: Uncertain significance for Familial thoracic aortic aneurysm and aortic dissection. Last evaluated: 2025-09-22. Review status: criteria provided, single submitter. Criteria: Ambry Variant Classification Scheme 2023. Collection method: clinical testing. Allele origin: germline.
Comment: The p.D914G variant (also known as c.2741A>G), located in coding exon 15 of the MYLK gene, results from an A to G substitution at nucleotide position 2741. The aspartic acid at codon 914 is replaced by glycine, an amino acid with similar properties. This amino acid position is not well conserved in available vertebrate species. In addition, this alteration is predicted to be tolerated by in silico analysis. Since supporting evidence is limited at this time, the clinical significance of this alteration remains unclear.

NM_053025.4(MYLK):c.2741A>G (p.Asp914Gly)

Gene: MYLK (myosin light chain kinase; minus strand). Cytogenetic location: 3q21.1.
Variant type: single nucleotide variant.
Coding change: c.2741A>G on transcript NM_053025.4 (MANE Select); coding-DNA position 2741, A replaced by G.
Protein change: p.Asp914Gly; replaces aspartic acid 914 with glycine.
Molecular consequence: missense variant.
Genome position (GRCh38, 1-based): chr3:123,700,727, T>C on the plus strand (A>G on the coding strand, the complement: MYLK is on the minus strand). VCF-style: chr3-123700727-T-C. GRCh37 (hg19) VCF-style: chr3-123419574-T-C.
Other names: c.2213A>G, p.Asp738Gly (NM_001321309.2); c.2534A>G, p.Asp845Gly (NM_053026.4, NM_053028.4); c.2741A>G, p.Asp914Gly (NM_053027.4); short protein forms D914G, D845G, D738G.
Identifiers: ClinVar variation 572927 (VCV000572927.15), dbSNP rs544456463, ClinGen allele CA068959.